The following is an entry in ClinVar:

ClinVar aggregate classification (germline): Uncertain significance (1 of 4 stars; one submission).

Conditions:
TCOF1-related disorder. Also called: TCOF1-related condition.

gnomAD v4.1: 31 of 1,547,084 alleles (0.002%); highest among the groups gnomAD compares: Admixed American, 0.035%; no homozygotes.

Submission:

PreventionGenetics, part of Exact Sciences
Classification: Uncertain significance for TCOF1-related condition. Last evaluated: 2026-03-06. Review status: criteria provided, single submitter. Criteria: ACMG Guidelines, 2015. Collection method: clinical testing. Allele origin: germline.
Comment: The TCOF1 c.-1T>G variant is located in the 5' untranslated region. To our knowledge, this variant has not been reported in the literature. This variant is reported in 0.045% of alleles in individuals of Latino descent in gnomAD. Although we suspect that this variant may be benign, at this time, the clinical significance of this variant is uncertain due to the absence of conclusive functional and genetic evidence.

NM_001371623.1(TCOF1):c.-1T>G

Genes: TCOF1 (treacle ribosome biogenesis factor 1; plus strand), LOC129994985 (ATAC-STARR-seq lymphoblastoid silent region 16507; plus strand). Cytogenetic location: 5q32.
Variant type: single nucleotide variant.
Coding change: c.-1T>G on transcript NM_001371623.1 (MANE Select); 1 bases upstream of the start codon, T replaced by G.
Molecular consequence: 5 prime UTR variant.
Genome position (GRCh38, 1-based): chr5:150,357,746, T>G. VCF-style: chr5-150357746-T-G. GRCh37 (hg19) VCF-style: chr5-149737309-T-G.
Other names: c.-1T>G (NM_000356.4, NM_001008657.3, NM_001135243.2 and 4 more transcripts).
Identifiers: ClinVar variation 4984297 (VCV004984297.1).